The following is an entry in ClinVar:

NM_000258.3(MYL3):c.516G>A (p.Leu172=)

Gene: MYL3 (myosin light chain 3; minus strand). Cytogenetic location: 3p21.31.
Variant type: single nucleotide variant.
Coding change: c.516G>A on transcript NM_000258.3 (MANE Select); coding-DNA position 516, G replaced by A.
Protein change: p.Leu172=; no amino-acid change (leucine 172 retained).
Molecular consequence: synonymous variant.
Genome position (GRCh38, 1-based): chr3:46,858,427, C>T on the plus strand (G>A on the coding strand, the complement: MYL3 is on the minus strand). VCF-style: chr3-46858427-C-T. GRCh37 (hg19) VCF-style: chr3-46899917-C-T.
Identifiers: ClinVar variation 43126 (VCV000043126.18), dbSNP rs367761724, ClinGen allele CA013975.

ClinVar aggregate classification (germline): Likely benign. Review status: criteria provided, multiple submitters, no conflicts (2 of 4 stars). 6 submissions from 6 submitters: Likely benign (6). Last evaluated 2025-09-09.

Conditions:
Cardiovascular phenotype. Identifiers: MedGen CN230736.
Cardiomyopathy (CMYO). Also called: Cardiomyopathies. Identifiers: Orphanet 167848, MedGen C0878544, MONDO:0004994, HP:0001638. Inheritance: Various modes of inheritance.
Hypertrophic cardiomyopathy. Also called: HYPERTROPHIC MYOCARDIOPATHY. Identifiers: Orphanet 217569, MedGen C0007194, MeSH D002312, MONDO:0005045, HP:0001639.

Allele frequency attached by ClinVar (database versions not stated): gnomAD exomes 0.00001 and 0.00003; ExAC 0.00002; TOPMed 0.00005; gnomAD 0.00007 and 0.00008.
gnomAD v4.1: 28 of 1,613,972 alleles (0.0017%); highest among the groups gnomAD compares: African/African-American, 0.028%; no homozygotes.

Submissions (6):

Labcorp Genetics (formerly Invitae), Labcorp
Classification: Likely benign for Hypertrophic cardiomyopathy. Last evaluated: 2025-09-09. Review status: criteria provided, single submitter. Criteria: Invitae Variant Classification Sherloc (09022015). Collection method: clinical testing. Allele origin: germline.

All of Us Research Program, National Institutes of Health
Classification: Likely benign for Hypertrophic cardiomyopathy. Last evaluated: 2024-08-06. Review status: criteria provided, single submitter. Criteria: ACMG Guidelines, 2015. Collection method: clinical testing. Allele origin: germline. Inheritance: Autosomal dominant inheritance. Observed: 6 variant alleles, 6 heterozygotes.
Comment: This study involves interpretation of variants in research participants for the purpose of population health screening. Participant phenotype was not available at the time of variant classification. Additional details can be found in publication PMID: 35346344, PMCID: PMC8962531

Ambry Genetics
Classification: Likely benign for Cardiovascular phenotype. Last evaluated: 2020-01-06. Review status: criteria provided, single submitter. Criteria: Ambry Variant Classification Scheme 2023. Collection method: clinical testing. Allele origin: germline.

Color Diagnostics, LLC DBA Color Health
Classification: Likely benign for Cardiomyopathy. Last evaluated: 2019-11-19. Review status: criteria provided, single submitter. Criteria: ACMG Guidelines, 2015. Collection method: clinical testing. Allele origin: germline.

Laboratory for Molecular Medicine, Mass General Brigham Personalized Medicine
Classification: Likely benign. Last evaluated: 2016-03-15. Review status: criteria provided, single submitter. Criteria: LMM Criteria. Collection method: clinical testing. Allele origin: germline. Observed: 2 variant alleles.
Comment: p.Leu172Leu in exon 5 of MYL3: This variant is not expected to have clinical sig nificance because it does not alter an amino acid residue and is not located wit hin the splice consensus sequence. It has been identified in 2/10394 African chr omosomes by the Exome Aggregation Consortium (ExAC, rg; dbSNP rs367761724).

GeneDx
Classification: Likely benign. Last evaluated: 2016-02-26. Review status: criteria provided, single submitter. Criteria: GeneDx Variant Classification (06012015). Collection method: clinical testing. Allele origin: germline. Affected: yes.
Comment: This variant is considered likely benign or benign based on one or more of the following criteria: it is a conservative change, it occurs at a poorly conserved position in the protein, it is predicted to be benign by multiple in silico algorithms, and/or has population frequency not consistent with disease.